The following is an entry in ClinVar:

NM_020361.5(CPA6):c.382C>T (p.Arg128Ter)

Gene: CPA6 (carboxypeptidase A6; minus strand). Cytogenetic location: 8q13.2.
Variant type: single nucleotide variant.
Coding change: c.382C>T on transcript NM_020361.5 (MANE Select); coding-DNA position 382, C replaced by T.
Protein change: p.Arg128Ter; replaces arginine 128 with a stop codon.
Molecular consequence: nonsense.
Genome position (GRCh38, 1-based): chr8:67,511,591, G>A on the plus strand (C>T on the coding strand, the complement: CPA6 is on the minus strand). VCF-style: chr8-67511591-G-A. GRCh37 (hg19) VCF-style: chr8-68423826-G-A.
Other names: short protein forms R128*.
Identifiers: ClinVar variation 965664 (VCV000965664.7), dbSNP rs768188762, ClinGen allele CA4772993.
Genomic context (GRCh38, chr8:67,511,591, plus strand): 5'-GATTACATACTTCTTCTAAGGAGTGATAAACTTCATAATTATATCCAGAGAGGGATCTTC[G>A]GTTTCTCTGGGTGTGCAAGCTGCTTCCCTTCTCCAGTGTTTTCTGAAGATCTTCTATGAG-3'

ClinVar aggregate classification (germline): Uncertain significance. Review status: criteria provided, multiple submitters, no conflicts (2 of 4 stars). 3 submissions from 3 submitters: Uncertain significance (3). Last evaluated 2025-11-03.

Conditions:
Febrile seizures, familial, 11 (FEB11). Also called: CONVULSIONS, FAMILIAL FEBRILE, 11. Identifiers: MedGen C3280734, MONDO:0024566, OMIM 614418.
Familial temporal lobe epilepsy 5. Identifiers: MedGen C3280730, MONDO:0013741, OMIM 614417.

Allele frequency attached by ClinVar (database versions not stated): gnomAD 0.00002; gnomAD exomes 0.00003 and 0.00005; TOPMed 0.00002; ExAC 0.00004.
gnomAD v4.1: 66 of 1,611,792 alleles (0.0041%); highest among the groups gnomAD compares: Middle Eastern, 0.016%; no homozygotes.

Submissions (3):

Dasa
Classification: Uncertain significance. Last evaluated: 2025-11-03. Review status: criteria provided, single submitter. Criteria: DASA Assertion Criteria. Collection method: clinical testing. Allele origin: germline.
Comment: NM_020361.5(CPA6):c.382C>T (p.Arg128*) is a nonsense variant in CPA6 predicted to introduce a premature termination codon. This variant is rare in population databases. The currently available literature and clinical evidence are not sufficient to establish a definitive association between this variant and the reported condition. Therefore, this variant is classified as a variant of uncertain significance.

Fulgent Genetics
Classification: Uncertain significance for Familial temporal lobe epilepsy 5; Febrile seizures, familial, 11. Last evaluated: 2022-03-17. Review status: criteria provided, single submitter. Criteria: ACMG Guidelines, 2015. Collection method: clinical testing. Allele origin: unknown.

Labcorp Genetics (formerly Invitae), Labcorp
Classification: Uncertain significance for Febrile seizures, familial, 11. Last evaluated: 2019-10-03. Review status: criteria provided, single submitter. Criteria: Invitae Variant Classification Sherloc (09022015). Collection method: clinical testing. Allele origin: germline.
Comment: This sequence change creates a premature translational stop signal (p.Arg128*) in the CPA6 gene. It is expected to result in an absent or disrupted protein product. This variant is present in population databases (rs768188762, ExAC 0.01%). This variant has not been reported in the literature in individuals with CPA6-related conditions. The current clinical and genetic evidence is not sufficient to establish whether loss-of-function variants in CPA6 cause disease. In summary, the available evidence is currently insufficient to determine the role of this variant in disease. Therefore, it has been classified as a Variant of Uncertain Significance.